The following is an entry in ClinVar:

ClinVar aggregate classification (germline): Uncertain significance (1 of 4 stars; one submission).

Conditions:
Inborn genetic diseases. Identifiers: MedGen C0950123, MeSH D030342.

Submission:

Ambry Genetics
Classification: Uncertain significance for Inborn genetic diseases. Last evaluated: 2026-06-14. Review status: criteria provided, single submitter. Criteria: Ambry Variant Classification Scheme 2023. Collection method: clinical testing. Allele origin: germline.
Comment: The p.I1459L variant (also known as c.4375A>C), located in coding exon 30 of the ANKRD26 gene, results from an A to C substitution at nucleotide position 4375. The isoleucine at codon 1459 is replaced by leucine, an amino acid with highly similar properties. This amino acid position is conserved. In addition, this alteration is predicted to be tolerated by in silico analysis. Based on the available evidence, the clinical significance of this variant remains unclear.

NM_014915.3(ANKRD26):c.4375A>C (p.Ile1459Leu)

Gene: ANKRD26 (ankyrin repeat domain 26; minus strand). Cytogenetic location: 10p12.1.
Variant type: single nucleotide variant.
Coding change: c.4375A>C on transcript NM_014915.3 (MANE Select); coding-DNA position 4375, A replaced by C.
Protein change: p.Ile1459Leu; replaces isoleucine 1459 with leucine.
Molecular consequence: missense variant.
Genome position (GRCh38, 1-based): chr10:27,017,633, T>G on the plus strand (A>C on the coding strand, the complement: ANKRD26 is on the minus strand). VCF-style: chr10-27017633-T-G. GRCh37 (hg19) VCF-style: chr10-27306562-T-G.
Other names: c.4372A>C, p.Ile1458Leu (NM_001256053.2); short protein forms I1458L, I1459L.
Identifiers: ClinVar variation 4860081 (VCV004860081.1).